The following is an entry in ClinVar:

ClinVar aggregate classification (germline): Benign. Review status: criteria provided, multiple submitters, no conflicts (2 of 4 stars). 5 submissions from 5 submitters: Benign (5). Last evaluated 2026-02-04.

Conditions:
Cone-rod dystrophy 7 (CORD7). Identifiers: Orphanet 1872, MedGen C1863634, MONDO:0011355, OMIM 603649.

Allele frequency attached by ClinVar (database versions not stated): TOPMed 0.70409; gnomAD 0.68629; ESP Exome Variant Server 0.69112; 1000 Genomes Project 0.75180; 1000 Genomes Project 30x 0.75390.
gnomAD v4.1: 1,050,710 of 1,613,444 alleles (65%); highest among the groups gnomAD compares: East Asian, 87%; 344,998 homozygotes.

Submissions (5):

Labcorp Genetics (formerly Invitae), Labcorp
Classification: Benign. Last evaluated: 2026-02-04. Review status: criteria provided, single submitter. Criteria: Invitae Variant Classification Sherloc (09022015). Collection method: clinical testing. Allele origin: germline.

Genome-Nilou Lab
Classification: Benign for Cone-rod dystrophy 7. Last evaluated: 2021-11-07. Review status: criteria provided, single submitter. Criteria: ACMG Guidelines, 2015. Collection method: clinical testing. Allele origin: germline. Affected: no.

GeneDx
Classification: Benign. Last evaluated: 2018-04-26. Review status: criteria provided, single submitter. Criteria: GeneDx Variant Classification (06012015). Collection method: clinical testing. Allele origin: germline. Affected: yes.
Comment: This variant is considered likely benign or benign based on one or more of the following criteria: it is a conservative change, it occurs at a poorly conserved position in the protein, it is predicted to be benign by multiple in silico algorithms, and/or has population frequency not consistent with disease.

Illumina Laboratory Services, Illumina
Classification: Benign for Cone-rod dystrophy 7. Last evaluated: 2018-01-13. Review status: criteria provided, single submitter. Criteria: ICSL Variant Classification Criteria 13 December 2019. Collection method: clinical testing. Allele origin: germline.
Comment: This variant was observed in the ICSL laboratory as part of a predisposition screen in an ostensibly healthy population. It had not been previously curated by ICSL or reported in the Human Gene Mutation Database (HGMD: prior to June 1st, 2018), and was therefore a candidate for classification through an automated scoring system. Utilizing variant allele frequency, disease prevalence and penetrance estimates, and inheritance mode, an automated score was calculated to assess if this variant is too frequent to cause the disease. Based on the score and internal cut-off values, a variant classified as benign is not then subjected to further curation. The score for this variant resulted in a classification of benign for this disease.

PreventionGenetics, part of Exact Sciences
Classification: Benign. Review status: criteria provided, single submitter. Criteria: ACMG Guidelines, 2015. Collection method: clinical testing. Allele origin: germline.

NM_014989.7(RIMS1):c.666A>G (p.Leu222=)

Gene: RIMS1 (regulating synaptic membrane exocytosis 1; plus strand). Cytogenetic location: 6q13.
Variant type: single nucleotide variant.
Coding change: c.666A>G on transcript NM_014989.7 (MANE Select); coding-DNA position 666, A replaced by G.
Protein change: p.Leu222=; no amino-acid change (leucine 222 retained).
Molecular consequence: synonymous variant.
Genome position (GRCh38, 1-based): chr6:72,179,769, A>G. VCF-style: chr6-72179769-A-G. GRCh37 (hg19) VCF-style: chr6-72889472-A-G.
Identifiers: ClinVar variation 260500 (VCV000260500.17), dbSNP rs2249021, ClinGen allele CA3885565.
Genomic context (GRCh38, chr6:72,179,769, plus strand): 5'-TGAGGTACCAAGAGAAAAGAAAGCACGACTCCAAGAGCGATCGCGGTCTCAGACACCCCT[A>G]AGCACAGCAGCTGCCTCCTCCCAGGATGCTGCTCCTCCCAGCGCACCACCAGACAGGAGC-3'
Protein context (NP_055804.2, residues 212-232): LQERSRSQTP[Leu222=]STAAASSQDA